The following is an entry in ClinVar:

NM_182920.2(ADAMTS9):c.916G>T (p.Val306Phe)

Gene: ADAMTS9 (ADAM metallopeptidase with thrombospondin type 1 motif 9; minus strand). Cytogenetic location: 3p14.1.
Variant type: single nucleotide variant.
Coding change: c.916G>T on transcript NM_182920.2 (MANE Select); coding-DNA position 916, G replaced by T.
Protein change: p.Val306Phe; replaces valine 306 with phenylalanine.
Molecular consequence: missense variant.
Genome position (GRCh38, 1-based): chr3:64,658,555, C>A on the plus strand (G>T on the coding strand, the complement: ADAMTS9 is on the minus strand). VCF-style: chr3-64658555-C-A. GRCh37 (hg19) VCF-style: chr3-64644231-C-A.
Other names: c.916G>T, p.Val306Phe (NM_001318781.2); c.916G>T (NM_182920.1); short protein forms V306F.
Identifiers: ClinVar variation 1959114 (VCV001959114.6), dbSNP rs1038661890, ClinGen allele CA75777408.

ClinVar aggregate classification (germline): Uncertain significance. Review status: criteria provided, multiple submitters, no conflicts (2 of 4 stars). 2 submissions from 2 submitters: Uncertain significance (2). Last evaluated 2026-01-12.

Allele frequency attached by ClinVar (database versions not stated): gnomAD exomes below 0.00001; TOPMed 0.00001; gnomAD 0.00001.
gnomAD v4.1: 2 of 1,613,894 alleles (0.00012%); highest among the groups gnomAD compares: Non-Finnish European, 0.00017%; no homozygotes.

Submissions (2):

Labcorp Genetics (formerly Invitae), Labcorp
Classification: Uncertain significance. Last evaluated: 2026-01-12. Review status: criteria provided, single submitter. Criteria: Invitae Variant Classification Sherloc (09022015). Collection method: clinical testing. Allele origin: germline.
Comment: This sequence change replaces valine, which is neutral and non-polar, with phenylalanine, which is neutral and non-polar, at codon 306 of the ADAMTS9 protein (p.Val306Phe). This variant is not present in population databases (gnomAD no frequency). This variant has not been reported in the literature in individuals affected with ADAMTS9-related conditions. ClinVar contains an entry for this variant (Variation ID: 1959114). An algorithm developed to predict the effect of missense changes on protein structure and function (PolyPhen-2) suggests that this variant is likely to be disruptive. In summary, the available evidence is currently insufficient to determine the role of this variant in disease. Therefore, it has been classified as a Variant of Uncertain Significance.

Ambry Genetics
Classification: Uncertain significance. Last evaluated: 2025-12-04. Review status: criteria provided, single submitter. Criteria: Ambry Variant Classification Scheme 2023. Collection method: clinical testing. Allele origin: germline.